The following is an entry in ClinVar:

NM_133259.4(LRPPRC):c.516T>A (p.Tyr172Ter)

Gene: LRPPRC (leucine rich pentatricopeptide repeat containing; minus strand). Cytogenetic location: 2p21.
Variant type: single nucleotide variant.
Coding change: c.516T>A on transcript NM_133259.4 (MANE Select); coding-DNA position 516, T replaced by A.
Protein change: p.Tyr172Ter; replaces tyrosine 172 with a stop codon.
Molecular consequence: nonsense.
Genome position (GRCh38, 1-based): chr2:43,977,230, A>T on the plus strand (T>A on the coding strand, the complement: LRPPRC is on the minus strand). VCF-style: chr2-43977230-A-T. GRCh37 (hg19) VCF-style: chr2-44204369-A-T.
Other names: short protein forms Y172*.
Identifiers: ClinVar variation 1725103 (VCV001725103.2), dbSNP rs2466676917, ClinGen allele CA346676024.

ClinVar aggregate classification (germline): Likely pathogenic (1 of 4 stars; one submission).

Conditions:
Congenital lactic acidosis, Saguenay-Lac-Saint-Jean type (MC4DN5). Also called: MITOCHONDRIAL COMPLEX IV DEFICIENCY, NUCLEAR TYPE 5; CYTOCHROME c OXIDASE DEFICIENCY, FRENCH CANADIAN TYPE; COX DEFICIENCY, FRENCH CANADIAN TYPE. Identifiers: Orphanet 70472, MedGen C1857355, MONDO:0009069, OMIM 220111.

Submission:

Myriad Genetics, Inc.
Classification: Likely pathogenic for Congenital lactic acidosis, Saguenay-Lac-Saint-Jean type. Last evaluated: 2022-03-08. Review status: criteria provided, single submitter. Criteria: Myriad Women's Health Autosomal Recessive and X-Linked Classification Criteria (2021). Collection method: clinical testing. Allele origin: unknown.
Comment: NM_133259.3(LRPPRC):c.516T>A(Y172*) is expected to be pathogenic in the context of Leigh syndrome, French-Canadian type. This variant is predicted to lead to an abnormal or absent protein product due to the creation of a premature termination codon in LRPPRC, a gene where loss-of-function variants are known to be pathogenic. Please note: this variant was assessed in the context of healthy population screening.